The following is an entry in ClinVar:

ClinVar aggregate classification (germline): Likely benign. Review status: criteria provided, multiple submitters, no conflicts (2 of 4 stars). 2 submissions from 2 submitters: Likely benign (2). Last evaluated 2021-11-25.

Conditions:
Cardiomyopathy (CMYO). Also called: Cardiomyopathies. Identifiers: Orphanet 167848, MedGen C0878544, MONDO:0004994, HP:0001638. Inheritance: Various modes of inheritance.

Allele frequency attached by ClinVar (database versions not stated): TOPMed below 0.00001; gnomAD 0.00001 and 0.00002; gnomAD exomes 0.00005 and 0.00010; ExAC 0.00010; 1000 Genomes Project 30x 0.00016; 1000 Genomes Project 0.00020.
gnomAD v4.1: 71 of 1,612,268 alleles (0.0044%); highest among the groups gnomAD compares: South Asian, 0.075%; 2 homozygotes.

Submissions (2):

CHEO Genetics Diagnostic Laboratory, Children's Hospital of Eastern Ontario
Classification: Likely benign for Cardiomyopathy. Last evaluated: 2021-11-25. Review status: criteria provided, single submitter. Criteria: ACMG Guidelines, 2015. Collection method: clinical testing. Allele origin: germline.

GeneDx
Classification: Likely benign. Last evaluated: 2018-03-07. Review status: criteria provided, single submitter. Criteria: GeneDx Variant Classification (06012015). Collection method: clinical testing. Allele origin: germline. Affected: yes.
Comment: This variant is considered likely benign or benign based on one or more of the following criteria: it is a conservative change, it occurs at a poorly conserved position in the protein, it is predicted to be benign by multiple in silico algorithms, and/or has population frequency not consistent with disease.

NM_001267550.2(TTN):c.40757C>T (p.Ala13586Val)

Gene: TTN (titin; minus strand). Cytogenetic location: 2q31.2.
Variant type: single nucleotide variant.
Coding change: c.40757C>T on transcript NM_001267550.2 (MANE Select); coding-DNA position 40757, C replaced by T.
Protein change: p.Ala13586Val; replaces alanine 13586 with valine.
Molecular consequence: missense variant.
Genome position (GRCh38, 1-based): chr2:178,640,077, G>A on the plus strand (C>T on the coding strand, the complement: TTN is on the minus strand). VCF-style: chr2-178640077-G-A. GRCh37 (hg19) VCF-style: chr2-179504804-G-A.
Other names: p.A11945V:GCA>GTA; c.35834C>T, p.Ala11945Val (NM_001256850.1); c.13562C>T, p.Ala4521Val (NM_003319.4); c.33053C>T, p.Ala11018Val (NM_133378.4); c.13937C>T, p.Ala4646Val (NM_133432.3); c.14138C>T, p.Ala4713Val (NM_133437.4); short protein forms A11945V, A13586V, A11018V, A4646V, A4521V, A4713V.
Identifiers: ClinVar variation 202612 (VCV000202612.3), dbSNP rs374936958, ClinGen allele CA309752.